The following is an entry in ClinVar:

NM_006648.4(WNK2):c.4480G>A (p.Gly1494Ser)

Gene: WNK2 (WNK lysine deficient protein kinase 2; plus strand). Cytogenetic location: 9q22.31.
Variant type: single nucleotide variant.
Coding change: c.4480G>A on transcript NM_006648.4 (MANE Select); coding-DNA position 4480, G replaced by A.
Protein change: p.Gly1494Ser; replaces glycine 1494 with serine.
Molecular consequence: missense variant.
Genome position (GRCh38, 1-based): chr9:93,289,234, G>A. VCF-style: chr9-93289234-G-A. GRCh37 (hg19) VCF-style: chr9-96051516-G-A.
Other names: c.4591G>A, p.Gly1531Ser (NM_001282394.3); short protein forms G1531S, G1494S.
Identifiers: ClinVar variation 3981858 (VCV003981858.1).

ClinVar aggregate classification (germline): Uncertain significance (1 of 4 stars; one submission).

gnomAD v4.1: 1 of 1,605,242 alleles (0.000062%); highest among the groups gnomAD compares: South Asian, 0.0011%; no homozygotes.

Submission:

Ambry Genetics
Classification: Uncertain significance. Last evaluated: 2025-04-11. Review status: criteria provided, single submitter. Criteria: Ambry Variant Classification Scheme 2023. Collection method: clinical testing. Allele origin: germline.
Comment: The p.G1494S variant (also known as c.4480G>A), located in coding exon 19 of the WNK2 gene, results from a G to A substitution at nucleotide position 4480. The glycine at codon 1494 is replaced by serine, an amino acid with similar properties. This amino acid position is conserved. In addition, this alteration is predicted to be tolerated by in silico analysis. Based on the available evidence, the clinical significance of this variant remains unclear.